The following is an entry in ClinVar:

NM_004168.4(SDHA):c.885C>G (p.Phe295Leu)

Gene: SDHA (succinate dehydrogenase complex flavoprotein subunit A; plus strand). Cytogenetic location: 5p15.33.
Variant type: single nucleotide variant.
Coding change: c.885C>G on transcript NM_004168.4 (MANE Select); coding-DNA position 885, C replaced by G.
Protein change: p.Phe295Leu; replaces phenylalanine 295 with leucine.
Molecular consequence: missense variant.
Genome position (GRCh38, 1-based): chr5:230,990, C>G. VCF-style: chr5-230990-C-G. GRCh37 (hg19) VCF-style: chr5-231105-C-G.
Other names: c.741C>G, p.Phe247Leu (NM_001294332.2); c.885C>G, p.Phe295Leu (NM_001330758.2); short protein forms F295L, F247L.
Identifiers: ClinVar variation 2485783 (VCV002485783.4), dbSNP rs762349978, ClinGen allele CA3173012.
Genomic context (GRCh38, chr5:230,990, plus strand): 5'-CGGCACGGCCATGATCACCAGGGCAGGCCTTCCTTGCCAGGACCTAGAGTTTGTTCAGTT[C>G]CACCCTACAGGTAGGGCAGGACGCCTTGCCCGGCAGGTGTTTGGCTTGTGTGTGTCTTGT-3'
Protein context (NP_004159.2, residues 285-305): LPCQDLEFVQ[Phe295Leu]HPTGIYGAGC

ClinVar aggregate classification (germline): Uncertain significance. Review status: criteria provided, multiple submitters, no conflicts (2 of 4 stars). 3 submissions from 3 submitters: Uncertain significance (3). Last evaluated 2025-02-20.

Conditions:
Mitochondrial complex II deficiency, nuclear type 1. Also called: SUCCINATE CoQ REDUCTASE DEFICIENCY. Identifiers: Orphanet 3208, MedGen C5700310, MONDO:0100294, OMIM 252011.
Pheochromocytoma/paraganglioma syndrome 5. Also called: Paragangliomas 5; SDHA-Related Hereditary Paraganglioma-Pheochromocytoma Syndrome. Identifiers: Orphanet 29072, MedGen C3279992, MONDO:0013602, OMIM 614165.
Dilated cardiomyopathy 1GG (CMD1GG). Identifiers: Orphanet 154, MedGen C3150898, MONDO:0013339, OMIM 613642.
Hereditary cancer-predisposing syndrome. Also called: Neoplastic Syndromes, Hereditary; Tumor predisposition; Hereditary Cancer Syndrome; Hereditary neoplastic syndrome. Identifiers: Orphanet 140162, MedGen C0027672, MeSH D009386, MONDO:0015356.

Allele frequency attached by ClinVar (database versions not stated): TOPMed below 0.00001; ExAC 0.00001.

Submissions (3):

Labcorp Genetics (formerly Invitae), Labcorp
Classification: Uncertain significance for Pheochromocytoma/paraganglioma syndrome 5; Mitochondrial complex II deficiency, nuclear type 1. Last evaluated: 2025-02-20. Review status: criteria provided, single submitter. Criteria: Invitae Variant Classification Sherloc (09022015). Collection method: clinical testing. Allele origin: germline.
Comment: This sequence change replaces phenylalanine, which is neutral and non-polar, with leucine, which is neutral and non-polar, at codon 295 of the SDHA protein (p.Phe295Leu). This variant is present in population databases (rs762349978, gnomAD 0.007%). This variant has not been reported in the literature in individuals affected with SDHA-related conditions. ClinVar contains an entry for this variant (Variation ID: 2485783). Invitae Evidence Modeling of protein sequence and biophysical properties (such as structural, functional, and spatial information, amino acid conservation, physicochemical variation, residue mobility, and thermodynamic stability) has been performed for this missense variant. However, the output from this modeling did not meet the statistical confidence thresholds required to predict the impact of this variant on SDHA protein function. In summary, the available evidence is currently insufficient to determine the role of this variant in disease. Therefore, it has been classified as a Variant of Uncertain Significance.

Baylor Genetics
Classification: Uncertain significance for Dilated cardiomyopathy 1GG. Last evaluated: 2023-10-02. Review status: criteria provided, single submitter. Criteria: ACMG Guidelines, 2015. Collection method: clinical testing. Allele origin: unknown.

Ambry Genetics
Classification: Uncertain significance for Hereditary cancer-predisposing syndrome. Last evaluated: 2023-01-19. Review status: criteria provided, single submitter. Criteria: Ambry Variant Classification Scheme 2023. Collection method: clinical testing. Allele origin: germline.
Comment: The p.F295L variant (also known as c.885C>G), located in coding exon 7 of the SDHA gene, results from a C to G substitution at nucleotide position 885. The phenylalanine at codon 295 is replaced by leucine, an amino acid with highly similar properties. This amino acid position is conserved. In addition, this alteration is predicted to be deleterious by in silico analysis. Since supporting evidence is limited at this time, the clinical significance of this alteration remains unclear.